The following is an entry in ClinVar:

NM_004963.4(GUCY2C):c.194_197del (p.Val65fs)

Genes: GUCY2C (guanylate cyclase 2C; minus strand), GUCY2C-AS1 (GUCY2C antisense RNA 1; plus strand). Cytogenetic location: 12p12.3.
Variant type: Deletion.
Coding change: c.194_197del on transcript NM_004963.4 (MANE Select); coding-DNA positions 194 to 197, 4 bases deleted (TGAG; older notation c.194_197delTGAG).
Protein change: p.Val65fs; shifts the reading frame from valine 65.
Molecular consequence: frameshift variant.
Genome position (GRCh38, 1-based): chr12:14,696,252-14,696,255, CTCA deleted on the plus strand (TGAG on the coding strand, the reverse complement: GUCY2C is on the minus strand); deleting any 4 consecutive bases within chr12:14,696,252-14,696,257 gives the same sequence; the c. name uses the placement nearest the transcript's 3' end. VCF-style (leftmost placement, unchanged base first): chr12-14696251-TCTCA-T. GRCh37 (hg19) VCF-style: chr12-14849185-TCTCA-T.
Other names: short protein forms V65fs.
Identifiers: ClinVar variation 1354172 (VCV001354172.6), dbSNP rs915647221, ClinGen allele CA233245504.

ClinVar aggregate classification (germline): Uncertain significance (1 of 4 stars; one submission).

Submission:

Labcorp Genetics (formerly Invitae), Labcorp
Classification: Uncertain significance. Last evaluated: 2022-08-16. Review status: criteria provided, single submitter. Criteria: Invitae Variant Classification Sherloc (09022015). Collection method: clinical testing. Allele origin: germline.
Comment: This sequence change creates a premature translational stop signal (p.Val65Glufs*9) in the GUCY2C gene. It is expected to result in an absent or disrupted protein product. However, the current clinical and genetic evidence is not sufficient to establish whether loss-of-function variants in GUCY2C cause disease. This variant is not present in population databases (gnomAD no frequency). This variant has not been reported in the literature in individuals affected with GUCY2C-related conditions. ClinVar contains an entry for this variant (Variation ID: 1354172). In summary, the available evidence is currently insufficient to determine the role of this variant in disease. Therefore, it has been classified as a Variant of Uncertain Significance.